The following is an entry in ClinVar:

NM_006767.4(LZTR1):c.1964T>C (p.Met655Thr)

Gene: LZTR1 (leucine zipper like post translational regulator 1; plus strand). Cytogenetic location: 22q11.21.
Variant type: single nucleotide variant.
Coding change: c.1964T>C on transcript NM_006767.4 (MANE Select); coding-DNA position 1964, T replaced by C.
Protein change: p.Met655Thr; replaces methionine 655 with threonine.
Molecular consequence: missense variant.
Genome position (GRCh38, 1-based): chr22:20,995,767, T>C. VCF-style: chr22-20995767-T-C. GRCh37 (hg19) VCF-style: chr22-21350056-T-C.
Other names: short protein forms M655T.
Identifiers: ClinVar variation 933178 (VCV000933178.27), dbSNP rs199696566, ClinGen allele CA10119175.

ClinVar aggregate classification (germline): Uncertain significance. Review status: criteria provided, multiple submitters, no conflicts (2 of 4 stars). 5 submissions from 5 submitters: Uncertain significance (5). Last evaluated 2026-04-14.

Conditions:
Hereditary cancer-predisposing syndrome. Also called: Neoplastic Syndromes, Hereditary; Tumor predisposition; Hereditary neoplastic syndrome; Hereditary Cancer Syndrome. Identifiers: Orphanet 140162, MedGen C0027672, MeSH D009386, MONDO:0015356.
Cardiovascular phenotype. Identifiers: MedGen CN230736.

Allele frequency attached by ClinVar (database versions not stated): ExAC 0.00001; gnomAD 0.00001 and 0.00002; TOPMed 0.00001; ESP Exome Variant Server 0.00008.
gnomAD v4.1: 14 of 1,613,480 alleles (0.00087%); highest among the groups gnomAD compares: East Asian, 0.0067%; no homozygotes.

Submissions (5):

GeneDx
Classification: Uncertain significance. Last evaluated: 2026-04-14. Review status: criteria provided, single submitter. Criteria: GeneDx Variant Classification Process June 2021. Collection method: clinical testing. Allele origin: germline.
Comment: Reported in the homozygous state in a patient with Noonan syndrome; however, familial segregation information and additional clinical information were not provided (PMID: 38333672); Not observed at significant frequency in large population cohorts (gnomAD); In silico analysis supports that this missense variant has a deleterious effect on protein structure/function; This variant is associated with the following publications: (PMID: 38333672)

Labcorp Genetics (formerly Invitae), Labcorp
Classification: Uncertain significance. Last evaluated: 2026-01-26. Review status: criteria provided, single submitter. Criteria: Invitae Variant Classification Sherloc (09022015). Collection method: clinical testing. Allele origin: germline.
Comment: This sequence change replaces methionine, which is neutral and non-polar, with threonine, which is neutral and polar, at codon 655 of the LZTR1 protein (p.Met655Thr). This variant is present in population databases (rs199696566, gnomAD 0.01%). This variant has not been reported in the literature in individuals affected with LZTR1-related conditions. ClinVar contains an entry for this variant (Variation ID: 933178). Invitae Evidence Modeling of protein sequence and biophysical properties (such as structural, functional, and spatial information, amino acid conservation, physicochemical variation, residue mobility, and thermodynamic stability) indicates that this missense variant is not expected to disrupt LZTR1 protein function with a negative predictive value of 80%. In summary, the available evidence is currently insufficient to determine the role of this variant in disease. Therefore, it has been classified as a Variant of Uncertain Significance.

Ambry Genetics
Classification: Uncertain significance for Cardiovascular phenotype; Hereditary cancer-predisposing syndrome. Last evaluated: 2025-03-12. Review status: criteria provided, single submitter. Criteria: Ambry Variant Classification Scheme 2023. Collection method: clinical testing. Allele origin: germline.
Comment: The p.M655T variant (also known as c.1964T>C), located in coding exon 17 of the LZTR1 gene, results from a T to C substitution at nucleotide position 1964. The methionine at codon 655 is replaced by threonine, an amino acid with similar properties. This amino acid position is highly conserved in available vertebrate species. In addition, the in silico prediction for this alteration is inconclusive. Since supporting evidence is limited at this time, the clinical significance of this alteration remains unclear.

CeGaT Center for Human Genetics Tuebingen
Classification: Uncertain significance. Last evaluated: 2024-11-01. Review status: criteria provided, single submitter. Criteria: CeGaT Center For Human Genetics Tuebingen Variant Classification Criteria Version 2. Collection method: clinical testing. Allele origin: germline. Affected: yes. Observed: 1 variant allele.
Comment: LZTR1: PM2:Supporting, PM3:Supporting, PP4

Women's Health and Genetics/Laboratory Corporation of America, LabCorp
Classification: Uncertain significance. Last evaluated: 2020-06-22. Review status: criteria provided, single submitter. Criteria: LabCorp Variant Classification Summary - May 2015. Collection method: clinical testing. Allele origin: germline.
Comment: Variant summary: LZTR1 c.1964T>C (p.Met655Thr) results in a non-conservative amino acid change in the encoded protein sequence. Three of five in-silico tools predict a damaging effect of the variant on protein function. The variant allele was found at a frequency of 1.2e-05 in 251270 control chromosomes (gnomAD). The available data on variant occurrences in the general population are insufficient to allow any conclusion about variant significance. To our knowledge, no occurrence of c.1964T>C in individuals affected with Noonan Syndrome and Related Conditions and no experimental evidence demonstrating its impact on protein function have been reported. No clinical diagnostic laboratories have submitted clinical-significance assessments for this variant to ClinVar after 2014. Based on the evidence outlined above, the variant was classified as uncertain significance.